The following is an entry in ClinVar:

ClinVar aggregate classification (germline): Uncertain significance. Review status: criteria provided, multiple submitters, no conflicts (2 of 4 stars). 2 submissions from 2 submitters: Uncertain significance (2). Last evaluated 2025-10-15.

Conditions:
Joubert syndrome. Also called: Familial aplasia of the vermis; JOUBERT-BOLTSHAUSER SYNDROME. Identifiers: Orphanet 475, MedGen C5979921, MONDO:0018772.
INPP5E-related disorder. Also called: INPP5E-related condition.

Submissions (2):

PreventionGenetics, part of Exact Sciences
Classification: Uncertain significance for INPP5E-related condition. Last evaluated: 2025-10-15. Review status: criteria provided, single submitter. Criteria: ACMG Guidelines, 2015. Collection method: clinical testing. Allele origin: germline.
Comment: The INPP5E c.1175C>T variant is predicted to result in the amino acid substitution p.Thr392Met. To our knowledge, this variant has not been reported in the literature. This variant is reported in 0.0041% of alleles in individuals of African descent in gnomAD. At this time, the clinical significance of this variant is uncertain due to the absence of conclusive functional and genetic evidence.

Labcorp Genetics (formerly Invitae), Labcorp
Classification: Uncertain significance for Joubert syndrome. Last evaluated: 2021-09-01. Review status: criteria provided, single submitter. Criteria: Invitae Variant Classification Sherloc (09022015). Collection method: clinical testing. Allele origin: germline.
Comment: This sequence change replaces threonine with methionine at codon 392 of the INPP5E protein (p.Thr392Met). The threonine residue is highly conserved and there is a moderate physicochemical difference between threonine and methionine. This variant is present in population databases (rs771142015, ExAC 0.005%). This variant has not been reported in the literature in individuals affected with INPP5E-related conditions. Algorithms developed to predict the effect of missense changes on protein structure and function are either unavailable or do not agree on the potential impact of this missense change (SIFT: "Deleterious"; PolyPhen-2: "Possibly Damaging"; Align-GVGD: "Class C0"). In summary, the available evidence is currently insufficient to determine the role of this variant in disease. Therefore, it has been classified as a Variant of Uncertain Significance.

NM_019892.6(INPP5E):c.1175C>T (p.Thr392Met)

Gene: INPP5E (inositol polyphosphate-5-phosphatase E; minus strand). Cytogenetic location: 9q34.3.
Variant type: single nucleotide variant.
Coding change: c.1175C>T on transcript NM_019892.6 (MANE Select); coding-DNA position 1175, C replaced by T.
Protein change: p.Thr392Met; replaces threonine 392 with methionine.
Molecular consequence: missense variant.
Genome position (GRCh38, 1-based): chr9:136,433,060, G>A on the plus strand (C>T on the coding strand, the complement: INPP5E is on the minus strand). VCF-style: chr9-136433060-G-A. GRCh37 (hg19) VCF-style: chr9-139327512-G-A.
Other names: c.1175C>T (NM_019892.5); c.1175C>T, p.Thr392Met (NM_001318502.2); short protein forms T392M.
Identifiers: ClinVar variation 945575 (VCV000945575.8), dbSNP rs771142015, ClinGen allele CA5336891.